The following is an entry in ClinVar:

ClinVar aggregate classification (germline): Uncertain significance (1 of 4 stars; one submission).

gnomAD v4.1: 9 of 1,610,404 alleles (0.00056%); highest among the groups gnomAD compares: Non-Finnish European, 0.00076%; no homozygotes.

Submission:

CeGaT Center for Human Genetics Tuebingen
Classification: Uncertain significance. Last evaluated: 2026-03-01. Review status: criteria provided, single submitter. Criteria: CeGaT Center For Human Genetics Tuebingen Variant Classification Criteria Version 2. Collection method: clinical testing. Allele origin: germline. Affected: yes. Observed: 1 variant allele.
Comment: VPS13C: PM2, BP4

NM_020821.3(VPS13C):c.3613A>T (p.Asn1205Tyr)

Gene: VPS13C (vacuolar protein sorting 13 homolog C; minus strand). Cytogenetic location: 15q22.2.
Variant type: single nucleotide variant.
Coding change: c.3613A>T on transcript NM_020821.3 (MANE Select); coding-DNA position 3613, A replaced by T.
Protein change: p.Asn1205Tyr; replaces asparagine 1205 with tyrosine.
Molecular consequence: missense variant.
Genome position (GRCh38, 1-based): chr15:61,961,884, T>A on the plus strand (A>T on the coding strand, the complement: VPS13C is on the minus strand). VCF-style: chr15-61961884-T-A. GRCh37 (hg19) VCF-style: chr15-62254083-T-A.
Other names: c.3613A>T, p.Asn1205Tyr (NM_001018088.3); c.3484A>T, p.Asn1162Tyr (NM_017684.5, NM_018080.4); short protein forms N1162Y, N1205Y.
Identifiers: ClinVar variation 4821220 (VCV004821220.4).